The following is an entry in ClinVar:

NM_032578.4(MYPN):c.1495A>G (p.Thr499Ala)

Gene: MYPN (myopalladin; plus strand). Cytogenetic location: 10q21.3.
Variant type: single nucleotide variant.
Coding change: c.1495A>G on transcript NM_032578.4 (MANE Select); coding-DNA position 1495, A replaced by G.
Protein change: p.Thr499Ala; replaces threonine 499 with alanine.
Molecular consequence: missense variant. On other transcripts: non-coding transcript variant (2).
Genome position (GRCh38, 1-based): chr10:68,165,713, A>G. VCF-style: chr10-68165713-A-G. GRCh37 (hg19) VCF-style: chr10-69925470-A-G.
Other names: c.1495A>G, p.Thr499Ala (NM_001256267.2); c.613A>G, p.Thr205Ala (NM_001256268.2); short protein forms T205A, T499A.
Identifiers: ClinVar variation 2449133 (VCV002449133.2), dbSNP rs757789273, ClinGen allele CA5522599.

ClinVar aggregate classification (germline): Uncertain significance (1 of 4 stars; one submission).

Conditions:
Cardiovascular phenotype. Identifiers: MedGen CN230736.

Allele frequency attached by ClinVar (database versions not stated): ExAC 0.00001.
gnomAD v4.1: 10 of 1,614,034 alleles (0.00062%); highest among the groups gnomAD compares: Non-Finnish European, 0.00085%; no homozygotes.

Submission:

Ambry Genetics
Classification: Uncertain significance for Cardiovascular phenotype. Last evaluated: 2023-01-20. Review status: criteria provided, single submitter. Criteria: Ambry Variant Classification Scheme 2023. Collection method: clinical testing. Allele origin: germline.
Comment: The p.T499A variant (also known as c.1495A>G), located in coding exon 8 of the MYPN gene, results from an A to G substitution at nucleotide position 1495. The threonine at codon 499 is replaced by alanine, an amino acid with similar properties. This amino acid position is conserved. In addition, this alteration is predicted to be deleterious by in silico analysis. Since supporting evidence is limited at this time, the clinical significance of this alteration remains unclear.